The following is an entry in ClinVar:

NM_001130987.2(DYSF):c.1280A>C (p.Asp427Ala)

Gene: DYSF (dysferlin; plus strand). Cytogenetic location: 2p13.2.
Variant type: single nucleotide variant.
Coding change: c.1280A>C on transcript NM_001130987.2 (MANE Select); coding-DNA position 1280, A replaced by C.
Protein change: p.Asp427Ala; replaces aspartic acid 427 with alanine.
Molecular consequence: missense variant.
Genome position (GRCh38, 1-based): chr2:71,528,301, A>C. VCF-style: chr2-71528301-A-C. GRCh37 (hg19) VCF-style: chr2-71755431-A-C.
Other names: p.Asp395Ala; c.1187A>C, p.Asp396Ala (NM_001130455.2, NM_001130983.2, NM_001130984.2 and 1 more transcripts); c.1184A>C, p.Asp395Ala (NM_001130976.2, NM_001130977.2, NM_001130978.2 and 1 more transcripts); c.1277A>C, p.Asp426Ala (NM_001130979.2, NM_001130980.2, NM_001130981.2); c.1280A>C, p.Asp427Ala (NM_001130982.2, NM_001130985.2); short protein forms D395A, D427A, D396A, D426A.
Identifiers: ClinVar variation 500016 (VCV000500016.6), dbSNP rs1553531687, ClinGen allele CA347214419.

ClinVar aggregate classification (germline): Uncertain significance. Review status: criteria provided, multiple submitters, no conflicts (2 of 4 stars). 2 submissions from 2 submitters: Uncertain significance (2). Last evaluated 2022-12-29.

Submissions (2):

Mayo Clinic Laboratories, Mayo Clinic
Classification: Uncertain significance. Last evaluated: 2022-12-29. Review status: criteria provided, single submitter. Criteria: ACMG Guidelines, 2015. Collection method: clinical testing. Allele origin: germline. Observed: 1 variant allele.
Comment: PP3, PM2

Eurofins Ntd Llc (ga)
Classification: Uncertain significance. Last evaluated: 2017-01-24. Review status: criteria provided, single submitter. Criteria: EGL Classification Definitions 2015. Collection method: clinical testing. Allele origin: germline. Observed: 1 variant allele, 1 heterozygote.